The following is an entry in ClinVar:

NM_016123.4(IRAK4):c.899A>G (p.Asn300Ser)

Gene: IRAK4 (interleukin 1 receptor associated kinase 4; plus strand). Cytogenetic location: 12q12.
Variant type: single nucleotide variant.
Coding change: c.899A>G on transcript NM_016123.4 (MANE Select); coding-DNA position 899, A replaced by G.
Protein change: p.Asn300Ser; replaces asparagine 300 with serine.
Molecular consequence: missense variant.
Genome position (GRCh38, 1-based): chr12:43,778,260, A>G. VCF-style: chr12-43778260-A-G. GRCh37 (hg19) VCF-style: chr12-44172063-A-G.
Other names: c.899A>G, p.Asn300Ser (NM_001114182.3, NM_001351345.2); c.527A>G, p.Asn176Ser (NM_001145256.2, NM_001145257.2, NM_001145258.2 and 5 more transcripts); c.290A>G, p.Asn97Ser (NM_001351343.2, NM_001351344.2); short protein forms N300S, N97S, N176S.
Identifiers: ClinVar variation 2994505 (VCV002994505.2), dbSNP rs376948391, ClinGen allele CA6522524.

ClinVar aggregate classification (germline): Uncertain significance (1 of 4 stars; one submission).

Conditions:
Immunodeficiency 67. Also called: Immunodeficiency due to interleukin-1 receptor-associated kinase-4 deficiency. Identifiers: Orphanet 70592, MedGen C1843256, MONDO:0011888, OMIM 607676.

Allele frequency attached by ClinVar (database versions not stated): gnomAD exomes below 0.00001; ExAC 0.00001; ESP Exome Variant Server 0.00008.

Submission:

Labcorp Genetics (formerly Invitae), Labcorp
Classification: Uncertain significance for Immunodeficiency 67. Last evaluated: 2023-09-06. Review status: criteria provided, single submitter. Criteria: Invitae Variant Classification Sherloc (09022015). Collection method: clinical testing. Allele origin: germline.
Comment: This sequence change replaces asparagine, which is neutral and polar, with serine, which is neutral and polar, at codon 300 of the IRAK4 protein (p.Asn300Ser). This variant is present in population databases (rs376948391, gnomAD 0.003%). This variant has not been reported in the literature in individuals affected with IRAK4-related conditions. Advanced modeling of protein sequence and biophysical properties (such as structural, functional, and spatial information, amino acid conservation, physicochemical variation, residue mobility, and thermodynamic stability) performed at Invitae indicates that this missense variant is not expected to disrupt IRAK4 protein function. In summary, the available evidence is currently insufficient to determine the role of this variant in disease. Therefore, it has been classified as a Variant of Uncertain Significance.